The following is an entry in ClinVar:

ClinVar aggregate classification (germline): Conflicting classifications of pathogenicity. Review status: criteria provided, conflicting classifications (1 of 4 stars). 6 submissions from 6 submitters: Uncertain significance (5); Likely benign (1). Last evaluated 2025-10-23.

Conditions:
Arrhythmogenic cardiomyopathy with wooly hair and keratoderma. Also called: Arrhythmogenic cardiomyopathy with woolly hair and keratoderma; Carvajal syndrome; PALMOPLANTAR KERATODERMA WITH LEFT VENTRICULAR CARDIOMYOPATHY AND WOOLLY HAIR; Dilated cardiomyopathy with woolly hair and keratoderma. Identifiers: Orphanet 65282, MedGen C1854063, MONDO:0011581, OMIM 605676.
Cardiovascular phenotype. Identifiers: MedGen CN230736.
Arrhythmogenic right ventricular dysplasia 8 (ARVD8). Also called: Arrhythmogenic Right Ventricular Dysplasia/Cardiomyopathy 8; ARRHYTHMOGENIC RIGHT VENTRICULAR DYSPLASIA, FAMILIAL, 8; ARRHYTHMOGENIC RIGHT VENTRICULAR CARDIOMYOPATHY 8. Identifiers: MedGen C1843896, MONDO:0011831, OMIM 607450.
Woolly hair-skin fragility syndrome (WHSF). Identifiers: Orphanet 293165, MedGen C1843292, MONDO:0957307, OMIM 620415.
Keratosis palmoplantaris striata 2. Also called: KERATODERMA, PALMOPLANTAR, STRIATE FORM II; STRIATE PALMOPLANTAR KERATODERMA II; Keratosis palmoplantaris striata II. Identifiers: MedGen C1852127, MONDO:0013034, OMIM 612908.
Lethal acantholytic epidermolysis bullosa (EBLA). Identifiers: Orphanet 158687, MedGen C1864826, MONDO:0012323, OMIM 609638.
Cardiomyopathy, dilated, with wooly hair, keratoderma, and tooth agenesis. Also called: Cardiomyopathy, dilated, with woolly hair, keratoderma, and tooth agenesis; Erythrokeratodermia-cardiomyopathy syndrome. Identifiers: Orphanet 476096, Orphanet 65282, MedGen C4014393, MONDO:0014355, OMIM 615821.
Cardiomyopathy (CMYO). Also called: Cardiomyopathies. Identifiers: Orphanet 167848, MedGen C0878544, MONDO:0004994, HP:0001638. Inheritance: Various modes of inheritance.

Allele frequency attached by ClinVar (database versions not stated): ExAC 0.00006; gnomAD exomes 0.00002 and 0.00004; 1000 Genomes Project 30x 0.00016; 1000 Genomes Project 0.00020; gnomAD 0.00001 and 0.00003.
gnomAD v4.1: 32 of 1,614,142 alleles (0.002%); highest among the groups gnomAD compares: South Asian, 0.035%; 1 homozygote.

Submissions (6):

GeneDx
Classification: Uncertain significance. Last evaluated: 2025-10-23. Review status: criteria provided, single submitter. Criteria: GeneDx Variant Classification Process June 2021. Collection method: clinical testing. Allele origin: germline. Affected: yes.
Comment: In silico analysis supports that this missense variant has a deleterious effect on protein structure/function; Has not been previously published as pathogenic or benign to our knowledge

Ambry Genetics
Classification: Uncertain significance for Cardiovascular phenotype. Last evaluated: 2025-05-02. Review status: criteria provided, single submitter. Criteria: Ambry Variant Classification Scheme 2023. Collection method: clinical testing. Allele origin: germline.
Comment: The p.D782G variant (also known as c.2345A>G), located in coding exon 17 of the DSP gene, results from an A to G substitution at nucleotide position 2345. The aspartic acid at codon 782 is replaced by glycine, an amino acid with similar properties. This amino acid position is highly conserved in available vertebrate species. In addition, this alteration is predicted to be deleterious by in silico analysis. Based on the available evidence, the clinical significance of this variant remains unclear.

Labcorp Genetics (formerly Invitae), Labcorp
Classification: Likely benign for Arrhythmogenic cardiomyopathy with wooly hair and keratoderma; Arrhythmogenic right ventricular dysplasia 8. Last evaluated: 2024-05-05. Review status: criteria provided, single submitter. Criteria: Invitae Variant Classification Sherloc (09022015). Collection method: clinical testing. Allele origin: germline.

All of Us Research Program, National Institutes of Health
Classification: Uncertain significance for Arrhythmogenic cardiomyopathy with wooly hair and keratoderma. Last evaluated: 2024-03-05. Review status: criteria provided, single submitter. Criteria: ACMG Guidelines, 2015. Collection method: clinical testing. Allele origin: germline. Inheritance: Autosomal dominant inheritance. Observed: 1 variant allele, 1 heterozygote.
Comment: This study involves interpretation of variants in research participants for the purpose of population health screening. Participant phenotype was not available at the time of variant classification. Additional details can be found in publication PMID: 35346344, PMCID: PMC8962531

Fulgent Genetics
Classification: Uncertain significance for Arrhythmogenic cardiomyopathy with wooly hair and keratoderma; Arrhythmogenic right ventricular dysplasia 8; Lethal acantholytic epidermolysis bullosa; Keratosis palmoplantaris striata 2; Cardiomyopathy, dilated, with wooly hair, keratoderma, and tooth agenesis. Last evaluated: 2021-12-22. Review status: criteria provided, single submitter. Criteria: ACMG Guidelines, 2015. Collection method: clinical testing. Allele origin: unknown.

Color Diagnostics, LLC DBA Color Health
Classification: Uncertain significance for Cardiomyopathy. Last evaluated: 2020-03-24. Review status: criteria provided, single submitter. Criteria: ACMG Guidelines, 2015. Collection method: clinical testing. Allele origin: germline.
Comment: This missense variant replaces aspartic acid with glycine at codon 782 of the DSP protein. Computational prediction is inconclusive regarding the impact of this variant on protein structure and function (internally defined REVEL score threshold 0.5 < inconclusive < 0.7, PMID: 27666373). To our knowledge, functional studies have not been reported for this variant. This variant has not been reported in individuals affected with cardiovascular disorders in the literature. This variant has been identified in 10/282780 chromosomes in the general population by the Genome Aggregation Database (gnomAD). The available evidence is insufficient to determine the role of this variant in disease conclusively. Therefore, this variant is classified as a Variant of Uncertain Significance.

NM_004415.4(DSP):c.2345A>G (p.Asp782Gly)

Gene: DSP (desmoplakin; plus strand). Cytogenetic location: 6p24.3.
Variant type: single nucleotide variant.
Coding change: c.2345A>G on transcript NM_004415.4 (MANE Select); coding-DNA position 2345, A replaced by G.
Protein change: p.Asp782Gly; replaces aspartic acid 782 with glycine.
Molecular consequence: missense variant.
Genome position (GRCh38, 1-based): chr6:7,574,704, A>G. VCF-style: chr6-7574704-A-G. GRCh37 (hg19) VCF-style: chr6-7574937-A-G.
Other names: c.2345A>G (LRG_423t1); c.2345A>G, p.Asp782Gly (NM_001008844.3, NM_001319034.2); short protein forms D782G.
Identifiers: ClinVar variation 655888 (VCV000655888.17), dbSNP rs557966264, ClinGen allele CA032894.
Genomic context (GRCh38, chr6:7,574,704, plus strand): 5'-TTGCTCTTTCCAGCTTATGCACAGTAAGGGCACTGCTCCAGGCTATTCTCCAAACAGAAG[A>G]CATGTTAAAGGTTTATGAAGCCAGGCTCACTGAGGAGGAAACTGTCTGCCTGGACCTGGA-3'
Protein context (NP_004406.2, residues 772-792): ALLQAILQTE[Asp782Gly]MLKVYEARLT